The following is an entry in ClinVar:

ClinVar aggregate classification (germline): Uncertain significance (1 of 4 stars; one submission).

Conditions:
Charcot-Marie-Tooth disease type 2. Also called: Charcot-Marie-Tooth type 2. Identifiers: Orphanet 64746, MedGen C0270914, MONDO:0018993.

Submission:

Labcorp Genetics (formerly Invitae), Labcorp
Classification: Uncertain significance for Charcot-Marie-Tooth disease type 2. Last evaluated: 2024-11-05. Review status: criteria provided, single submitter. Criteria: Invitae Variant Classification Sherloc (09022015). Collection method: clinical testing. Allele origin: germline.
Comment: This sequence change replaces glycine, which is neutral and non-polar, with serine, which is neutral and polar, at codon 179 of the AARS protein (p.Gly179Ser). This variant is not present in population databases (gnomAD no frequency). This variant has not been reported in the literature in individuals affected with AARS-related conditions. ClinVar contains an entry for this variant (Variation ID: 2043415). Invitae Evidence Modeling of protein sequence and biophysical properties (such as structural, functional, and spatial information, amino acid conservation, physicochemical variation, residue mobility, and thermodynamic stability) has been performed for this missense variant. However, the output from this modeling did not meet the statistical confidence thresholds required to predict the impact of this variant on AARS protein function. In summary, the available evidence is currently insufficient to determine the role of this variant in disease. Therefore, it has been classified as a Variant of Uncertain Significance.

NM_001605.3(AARS1):c.535G>A (p.Gly179Ser)

Gene: AARS1 (alanyl-tRNA synthetase 1; minus strand). Cytogenetic location: 16q22.1.
Variant type: single nucleotide variant.
Coding change: c.535G>A on transcript NM_001605.3 (MANE Select); coding-DNA position 535, G replaced by A.
Protein change: p.Gly179Ser; replaces glycine 179 with serine.
Molecular consequence: missense variant.
Genome position (GRCh38, 1-based): chr16:70,271,917, C>T on the plus strand (G>A on the coding strand, the complement: AARS1 is on the minus strand). VCF-style: chr16-70271917-C-T. GRCh37 (hg19) VCF-style: chr16-70305820-C-T.
Other names: short protein forms G179S.
Identifiers: ClinVar variation 2043415 (VCV002043415.4), dbSNP rs2507020913, ClinGen allele CA396566915.